The following is an entry in ClinVar:

ClinVar aggregate classification (germline): Likely benign. Review status: criteria provided, multiple submitters, no conflicts (2 of 4 stars). 3 submissions from 3 submitters: Likely benign (2). 1 of the submissions does not count toward it. Last evaluated 2024-11-19.

Conditions:
SPEN-related disorder. Also called: SPEN-related condition.

Allele frequency attached by ClinVar (database versions not stated): ESP Exome Variant Server 0.00038; 1000 Genomes Project 30x 0.00172; 1000 Genomes Project 0.00180.
gnomAD v4.1: 586 of 1,613,980 alleles (0.036%); highest among the groups gnomAD compares: Middle Eastern, 0.3%; 1 homozygote.

Submissions (3):

Blueprint Genetics
Classification: Likely benign. Last evaluated: 2024-11-19. Review status: criteria provided, single submitter. Criteria: ACMG Guidelines, 2015. Collection method: clinical testing. Allele origin: germline.

CeGaT Center for Human Genetics Tuebingen
Classification: Likely benign. Last evaluated: 2024-10-01. Review status: criteria provided, single submitter. Criteria: CeGaT Center For Human Genetics Tuebingen Variant Classification Criteria Version 2. Collection method: clinical testing. Allele origin: germline. Affected: yes. Observed: 4 variant alleles.
Comment: SPEN: BP4, BP7

PreventionGenetics, part of Exact Sciences
Classification: Likely benign for SPEN-related condition. Last evaluated: 2019-04-01. Review status: no assertion criteria provided. Collection method: clinical testing. Allele origin: germline. Not counted in ClinVar's aggregate classification.
Comment: This variant is classified as likely benign based on ACMG/AMP sequence variant interpretation guidelines (Richards et al. 2015 PMID: 25741868, with internal and published modifications).

NM_015001.3(SPEN):c.8220C>G (p.Thr2740=)

Gene: SPEN (spen family transcriptional repressor; plus strand). Cytogenetic location: 1p36.13.
Variant type: single nucleotide variant.
Coding change: c.8220C>G on transcript NM_015001.3 (MANE Select); coding-DNA position 8220, C replaced by G.
Protein change: p.Thr2740=; no amino-acid change (threonine 2740 retained).
Molecular consequence: synonymous variant.
Genome position (GRCh38, 1-based): chr1:15,934,460, C>G. VCF-style: chr1-15934460-C-G. GRCh37 (hg19) VCF-style: chr1-16260955-C-G.
Other names: c.8220C>G (NM_015001.2).
Identifiers: ClinVar variation 2638337 (VCV002638337.26), dbSNP rs143078767, ClinGen allele CA620238.